The following is an entry in ClinVar:

NM_001005273.3(CHD3):c.5342A>T (p.Asn1781Ile)

Gene: CHD3 (chromodomain helicase DNA binding protein 3; plus strand). Cytogenetic location: 17p13.1.
Variant type: single nucleotide variant.
Coding change: c.5342A>T on transcript NM_001005273.3 (MANE Select); coding-DNA position 5342, A replaced by T.
Protein change: p.Asn1781Ile; replaces asparagine 1781 with isoleucine.
Molecular consequence: missense variant.
Genome position (GRCh38, 1-based): chr17:7,908,777, A>T. VCF-style: chr17-7908777-A-T. GRCh37 (hg19) VCF-style: chr17-7812095-A-T.
Other names: c.5519A>T, p.Asn1840Ile (NM_001005271.3); c.5240A>T, p.Asn1747Ile (NM_005852.4); short protein forms N1747I, N1840I, N1781I.
Identifiers: ClinVar variation 3491970 (VCV003491970.2).

ClinVar aggregate classification (germline): Uncertain significance (1 of 4 stars; one submission).

Conditions:
Inborn genetic diseases. Identifiers: MedGen C0950123, MeSH D030342.

Submission:

Ambry Genetics
Classification: Uncertain significance for Inborn genetic diseases. Last evaluated: 2025-02-12. Review status: criteria provided, single submitter. Criteria: Ambry Variant Classification Scheme 2023. Collection method: clinical testing. Allele origin: germline.
Comment: The c.5519A>T (p.N1840I) alteration is located in exon 36 (coding exon 36) of the CHD3 gene. This alteration results from a A to T substitution at nucleotide position 5519, causing the asparagine (N) at amino acid position 1840 to be replaced by an isoleucine (I). This variant was not reported in population-based cohorts in the Genome Aggregation Database (gnomAD). This amino acid position is well conserved in available vertebrate species. This missense alteration is located in a region that has a low rate of benign missense variation (Lek, 2016; Firth, 2009). The in silico prediction for this alteration is inconclusive. Based on insufficient or conflicting evidence, the clinical significance of this alteration remains unclear.